The following is an entry in ClinVar:

ClinVar aggregate classification (germline): Uncertain significance. Review status: criteria provided, multiple submitters, no conflicts (2 of 4 stars). 2 submissions from 2 submitters: Uncertain significance (2). Last evaluated 2024-01-05.

Conditions:
Hypertrophic cardiomyopathy. Also called: HYPERTROPHIC MYOCARDIOPATHY. Identifiers: Orphanet 217569, MedGen C0007194, MeSH D002312, MONDO:0005045, HP:0001639.

Submissions (2):

GeneDx
Classification: Uncertain significance. Last evaluated: 2024-01-05. Review status: criteria provided, single submitter. Criteria: GeneDx Variant Classification Process June 2021. Collection method: clinical testing. Allele origin: germline. Affected: yes.
Comment: Not observed at significant frequency in large population cohorts (gnomAD); In silico analysis supports that this missense variant has a deleterious effect on protein structure/function; Has not been previously published as pathogenic or benign to our knowledge

Labcorp Genetics (formerly Invitae), Labcorp
Classification: Uncertain significance for Hypertrophic cardiomyopathy. Last evaluated: 2021-10-04. Review status: criteria provided, single submitter. Criteria: Invitae Variant Classification Sherloc (09022015). Collection method: clinical testing. Allele origin: germline.
Comment: In summary, the available evidence is currently insufficient to determine the role of this variant in disease. Therefore, it has been classified as a Variant of Uncertain Significance. Algorithms developed to predict the effect of missense changes on protein structure and function are either unavailable or do not agree on the potential impact of this missense change (SIFT: "Deleterious"; PolyPhen-2: "Probably Damaging"; Align-GVGD: "Class C0"). This variant has not been reported in the literature in individuals affected with TPM1-related conditions. This variant is not present in population databases (ExAC no frequency). This sequence change replaces valine with phenylalanine at codon 129 of the TPM1 protein (p.Val129Phe). The valine residue is highly conserved and there is a small physicochemical difference between valine and phenylalanine.

NM_001018005.2(TPM1):c.385G>T (p.Val129Phe)

Gene: TPM1 (tropomyosin 1; plus strand). Cytogenetic location: 15q22.2.
Variant type: single nucleotide variant.
Coding change: c.385G>T on transcript NM_001018005.2 (MANE Select); coding-DNA position 385, G replaced by T.
Protein change: p.Val129Phe; replaces valine 129 with phenylalanine.
Molecular consequence: missense variant.
Genome position (GRCh38, 1-based): chr15:63,059,573, G>T. VCF-style: chr15-63059573-G-T. GRCh37 (hg19) VCF-style: chr15-63351772-G-T.
Other names: c.385G>T, p.Val129Phe (NM_000366.6, NM_001018004.2, NM_001018006.2 and 6 more transcripts); c.277G>T, p.Val93Phe (NM_001018008.2, NM_001301289.2, NM_001330344.2 and 5 more transcripts); c.511G>T, p.Val171Phe (NM_001365778.1); c.385G>T (NM_001018005.1); short protein forms V129F, V171F, V93F.
Identifiers: ClinVar variation 1494149 (VCV001494149.7), dbSNP rs2140937065, ClinGen allele CA392721977.